The following is an entry in ClinVar:

NM_020461.4(TUBGCP6):c.123C>G (p.Ala41=)

Gene: TUBGCP6 (tubulin gamma complex component 6; minus strand). Cytogenetic location: 22q13.33.
Variant type: single nucleotide variant.
Coding change: c.123C>G on transcript NM_020461.4 (MANE Select); coding-DNA position 123, C replaced by G.
Protein change: p.Ala41=; no amino-acid change (alanine 41 retained).
Molecular consequence: synonymous variant.
Genome position (GRCh38, 1-based): chr22:50,244,337, G>C on the plus strand (C>G on the coding strand, the complement: TUBGCP6 is on the minus strand). VCF-style: chr22-50244337-G-C. GRCh37 (hg19) VCF-style: chr22-50682766-G-C.
Other names: c.123C>G (NM_020461.3).
Identifiers: ClinVar variation 1141665 (VCV001141665.11), dbSNP rs35974874, ClinGen allele CA10309115.

ClinVar aggregate classification (germline): Likely benign. Review status: criteria provided, multiple submitters, no conflicts (2 of 4 stars). 3 submissions from 3 submitters: Likely benign (3). Last evaluated 2025-09-27.

Conditions:
TUBGCP6-related disorder. Also called: TUBGCP6-related condition.

Allele frequency attached by ClinVar (database versions not stated): ExAC 0.00007; ESP Exome Variant Server 0.00008; gnomAD exomes 0.00014; gnomAD 0.00019; TOPMed 0.00025.
gnomAD v4.1: 652 of 1,613,576 alleles (0.04%); highest among the groups gnomAD compares: Non-Finnish European, 0.053%; no homozygotes.

Submissions (3):

Labcorp Genetics (formerly Invitae), Labcorp
Classification: Likely benign. Last evaluated: 2025-09-27. Review status: criteria provided, single submitter. Criteria: Invitae Variant Classification Sherloc (09022015). Collection method: clinical testing. Allele origin: germline.

PreventionGenetics, part of Exact Sciences
Classification: Likely benign for TUBGCP6-related condition. Last evaluated: 2025-02-19. Review status: criteria provided, single submitter. Criteria: ACMG Guidelines, 2015. Collection method: clinical testing. Allele origin: germline.
Comment: This variant is classified as likely benign based on ACMG/AMP sequence variant interpretation guidelines (Richards et al. 2015 PMID: 25741868, with internal and published modifications).

Blueprint Genetics
Classification: Likely benign. Last evaluated: 2024-05-16. Review status: criteria provided, single submitter. Criteria: ACMG Guidelines, 2015. Collection method: clinical testing. Allele origin: germline.